The following is an entry in ClinVar:

NM_015662.3(IFT172):c.3908G>A (p.Arg1303Gln)

Genes: IFT172 (intraflagellar transport 172; minus strand), LOC126806173 (BRD4-independent group 4 enhancer GRCh37_chr2:27676057-27677256; plus strand). Cytogenetic location: 2p23.3.
Variant type: single nucleotide variant.
Coding change: c.3908G>A on transcript NM_015662.3 (MANE Select); coding-DNA position 3908, G replaced by A.
Protein change: p.Arg1303Gln; replaces arginine 1303 with glutamine.
Molecular consequence: missense variant.
Genome position (GRCh38, 1-based): chr2:27,453,427, C>T on the plus strand (G>A on the coding strand, the complement: IFT172 is on the minus strand). VCF-style: chr2-27453427-C-T. GRCh37 (hg19) VCF-style: chr2-27676294-C-T.
Other names: c.3908G>A (NM_015662.1); short protein forms R1303Q.
Identifiers: ClinVar variation 1420159 (VCV001420159.8), dbSNP rs768194578, ClinGen allele CA44489561.
Genomic context (GRCh38, chr2:27,453,427, plus strand): 5'-GGGCCTGCTGTCCTCACCTTCATCCAGCACTTCTCCGCCAGGCCGCTGTTTCCAGAGTCT[C>T]GCACTTTGAGGTAGCAGTCCACGGCACGGCTGTACTCTCCAGCCTGCTCCCAGTGTCGAG-3'
Protein context (NP_056477.1, residues 1293-1313): SRAVDCYLKV[Arg1303Gln]DSGNSGLAEK

ClinVar aggregate classification (germline): Uncertain significance. Review status: criteria provided, multiple submitters, no conflicts (2 of 4 stars). 3 submissions from 3 submitters: Uncertain significance (3). Last evaluated 2024-04-29.

Conditions:
Inborn genetic diseases. Identifiers: MedGen C0950123, MeSH D030342.
Retinal dystrophy. Also called: Inherited retinal dystrophy. Identifiers: Orphanet 71862, MedGen C0854723, MeSH D058499, MONDO:0019118, HP:0000556.
Short-rib thoracic dysplasia 10 with or without polydactyly (SRTD10). Identifiers: Orphanet 474, MedGen C3810175, MONDO:0014284, OMIM 615630.
Retinitis pigmentosa 71 (RP71). Identifiers: Orphanet 791, MedGen C4225342, MONDO:0014618, OMIM 616394.

Allele frequency attached by ClinVar (database versions not stated): gnomAD exomes 0.00001; TOPMed 0.00001.
gnomAD v4.1: 19 of 1,614,210 alleles (0.0012%); highest among the groups gnomAD compares: Non-Finnish European, 0.0016%; no homozygotes.

Submissions (3):

Ambry Genetics
Classification: Uncertain significance for Inborn genetic diseases. Last evaluated: 2024-04-29. Review status: criteria provided, single submitter. Criteria: Ambry Variant Classification Scheme 2023. Collection method: clinical testing. Allele origin: germline.

Dept Of Ophthalmology, Nagoya University
Classification: Uncertain significance for Retinal dystrophy. Last evaluated: 2023-10-01. Review status: criteria provided, single submitter. Criteria: Submitter's publication. Collection method: research. Allele origin: germline. Affected: yes.

Labcorp Genetics (formerly Invitae), Labcorp
Classification: Uncertain significance for Retinitis pigmentosa 71; Short-rib thoracic dysplasia 10 with or without polydactyly. Last evaluated: 2022-11-01. Review status: criteria provided, single submitter. Criteria: Invitae Variant Classification Sherloc (09022015). Collection method: clinical testing. Allele origin: germline.
Comment: In summary, the available evidence is currently insufficient to determine the role of this variant in disease. Therefore, it has been classified as a Variant of Uncertain Significance. Advanced modeling of protein sequence and biophysical properties (such as structural, functional, and spatial information, amino acid conservation, physicochemical variation, residue mobility, and thermodynamic stability) performed at Invitae indicates that this missense variant is not expected to disrupt IFT172 protein function. ClinVar contains an entry for this variant (Variation ID: 1420159). This variant has not been reported in the literature in individuals affected with IFT172-related conditions. This variant is present in population databases (rs768194578, gnomAD 0.002%). This sequence change replaces arginine, which is basic and polar, with glutamine, which is neutral and polar, at codon 1303 of the IFT172 protein (p.Arg1303Gln).